The following is an entry in ClinVar:

NM_006231.4(POLE):c.4385C>T (p.Thr1462Ile)

Gene: POLE (DNA polymerase epsilon, catalytic subunit; minus strand). Cytogenetic location: 12q24.33.
Variant type: single nucleotide variant.
Coding change: c.4385C>T on transcript NM_006231.4 (MANE Select); coding-DNA position 4385, C replaced by T.
Protein change: p.Thr1462Ile; replaces threonine 1462 with isoleucine.
Molecular consequence: missense variant.
Genome position (GRCh38, 1-based): chr12:132,643,466, G>A on the plus strand (C>T on the coding strand, the complement: POLE is on the minus strand). VCF-style: chr12-132643466-G-A. GRCh37 (hg19) VCF-style: chr12-133220052-G-A.
Other names: c.4385C>T (NM_006231.2); short protein forms T1462I.
Identifiers: ClinVar variation 574322 (VCV000574322.11), dbSNP rs747856376, ClinGen allele CA6892868.
Genomic context (GRCh38, chr12:132,643,466, plus strand): 5'-CCTGGTTCCAGGTAGCTGAACTGGGCCAGAGAGCGCATCTCCAGGTGCTCAAGAGCAAAG[G>A]TCTCTGCTTCCCAGCCTGAAAGGTGCCTCACCAGCTGTTTATTGACCACACACACACAGC-3'
Protein context (NP_006222.2, residues 1452-1472): VRHLSGWEAE[Thr1462Ile]FALEHLEMRS

ClinVar aggregate classification (germline): Uncertain significance. Review status: criteria provided, multiple submitters, no conflicts (2 of 4 stars). 2 submissions from 2 submitters: Uncertain significance (2). Last evaluated 2024-11-16.

Conditions:
Hereditary cancer-predisposing syndrome. Also called: Neoplastic Syndromes, Hereditary; Hereditary Cancer Syndrome; Tumor predisposition; Hereditary neoplastic syndrome. Identifiers: Orphanet 140162, MedGen C0027672, MeSH D009386, MONDO:0015356.

Allele frequency attached by ClinVar (database versions not stated): gnomAD exomes below 0.00001; ExAC 0.00001.

Submissions (2):

Labcorp Genetics (formerly Invitae), Labcorp
Classification: Uncertain significance. Last evaluated: 2024-11-16. Review status: criteria provided, single submitter. Criteria: Invitae Variant Classification Sherloc (09022015). Collection method: clinical testing. Allele origin: germline.
Comment: This sequence change replaces threonine, which is neutral and polar, with isoleucine, which is neutral and non-polar, at codon 1462 of the POLE protein (p.Thr1462Ile). This variant is present in population databases (rs747856376, gnomAD 0.0009%). This variant has not been reported in the literature in individuals affected with POLE-related conditions. ClinVar contains an entry for this variant (Variation ID: 574322). Invitae Evidence Modeling of protein sequence and biophysical properties (such as structural, functional, and spatial information, amino acid conservation, physicochemical variation, residue mobility, and thermodynamic stability) indicates that this missense variant is not expected to disrupt POLE protein function with a negative predictive value of 80%. In summary, the available evidence is currently insufficient to determine the role of this variant in disease. Therefore, it has been classified as a Variant of Uncertain Significance.

Ambry Genetics
Classification: Uncertain significance for Hereditary cancer-predisposing syndrome. Last evaluated: 2024-08-04. Review status: criteria provided, single submitter. Criteria: Ambry Variant Classification Scheme 2023. Collection method: clinical testing. Allele origin: germline.
Comment: The p.T1462I variant (also known as c.4385C>T), located in coding exon 34 of the POLE gene, results from a C to T substitution at nucleotide position 4385. The threonine at codon 1462 is replaced by isoleucine, an amino acid with similar properties. This amino acid position is conserved. In addition, this alteration is predicted to be tolerated by in silico analysis. Based on the available evidence, the clinical significance of this variant remains unclear.